The following is an entry in ClinVar:

ClinVar aggregate classification (germline): Benign/Likely benign. Review status: criteria provided, multiple submitters, no conflicts (2 of 4 stars). 4 submissions from 4 submitters: Benign (1); Likely benign (3). Last evaluated 2026-05-01.

Allele frequency attached by ClinVar (database versions not stated): ESP Exome Variant Server 0.00115; gnomAD 0.00119 and 0.00133; TOPMed 0.00123; gnomAD exomes 0.00154 and 0.00201; 1000 Genomes Project 30x 0.00172; 1000 Genomes Project 0.00200; ExAC 0.00230.
gnomAD v4.1: 2,543 of 1,614,068 alleles (0.16%); highest among the groups gnomAD compares: Middle Eastern, 1.7%; 9 homozygotes.

Submissions (4):

CeGaT Center for Human Genetics Tuebingen
Classification: Benign. Last evaluated: 2026-05-01. Review status: criteria provided, single submitter. Criteria: CeGaT Center For Human Genetics Tuebingen Variant Classification Criteria Version 2. Collection method: clinical testing. Allele origin: germline. Affected: yes. Observed: 4 variant alleles.
Comment: PKD1L1: BP4, BS1, BS2

Labcorp Genetics (formerly Invitae), Labcorp
Classification: Likely benign. Last evaluated: 2026-01-12. Review status: criteria provided, single submitter. Criteria: Invitae Variant Classification Sherloc (09022015). Collection method: clinical testing. Allele origin: germline.

Blueprint Genetics
Classification: Likely benign. Last evaluated: 2024-11-22. Review status: criteria provided, single submitter. Criteria: ACMG Guidelines, 2015. Collection method: clinical testing. Allele origin: germline.

Breakthrough Genomics
Classification: Likely benign. Review status: criteria provided, single submitter. Criteria: ACMG Guidelines, 2015. Collection method: not provided. Allele origin: germline. Inheritance: Autosomal recessive inheritance. Affected: yes.

NM_138295.5(PKD1L1):c.7180A>G (p.Arg2394Gly)

Genes: PKD1L1 (polycystin 1 like 1, transient receptor potential channel interacting; minus strand), PKD1L1-AS1 (PKD1L1 antisense RNA 1; plus strand). Cytogenetic location: 7p12.3.
Variant type: single nucleotide variant.
Coding change: c.7180A>G on transcript NM_138295.5 (MANE Select); coding-DNA position 7180, A replaced by G.
Protein change: p.Arg2394Gly; replaces arginine 2394 with glycine.
Molecular consequence: missense variant.
Genome position (GRCh38, 1-based): chr7:47,813,287, T>C on the plus strand (A>G on the coding strand, the complement: PKD1L1 is on the minus strand). VCF-style: chr7-47813287-T-C. GRCh37 (hg19) VCF-style: chr7-47852885-T-C.
Other names: short protein forms R2394G.
Identifiers: ClinVar variation 781898 (VCV000781898.33), dbSNP rs138441246, ClinGen allele CA4252083.